The following is an entry in ClinVar:

NM_144631.6(ZNF513):c.1483G>A (p.Gly495Ser)

Gene: ZNF513 (zinc finger protein 513; minus strand). Cytogenetic location: 2p23.3.
Variant type: single nucleotide variant.
Coding change: c.1483G>A on transcript NM_144631.6 (MANE Select); coding-DNA position 1483, G replaced by A.
Protein change: p.Gly495Ser; replaces glycine 495 with serine.
Molecular consequence: missense variant.
Genome position (GRCh38, 1-based): chr2:27,377,688, C>T on the plus strand (G>A on the coding strand, the complement: ZNF513 is on the minus strand). VCF-style: chr2-27377688-C-T. GRCh37 (hg19) VCF-style: chr2-27600555-C-T.
Other names: c.1297G>A, p.Gly433Ser (NM_001201459.2); short protein forms G495S, G433S.
Identifiers: ClinVar variation 935975 (VCV000935975.9), dbSNP rs200685946, ClinGen allele CA1577797.

ClinVar aggregate classification (germline): Uncertain significance. Review status: criteria provided, multiple submitters, no conflicts (2 of 4 stars). 3 submissions from 3 submitters: Uncertain significance (3). Last evaluated 2025-11-17.

Allele frequency attached by ClinVar (database versions not stated): ExAC 0.00007; gnomAD exomes 0.00007 and 0.00010; gnomAD 0.00014; TOPMed 0.00015.
gnomAD v4.1: 126 of 1,614,094 alleles (0.0078%); highest among the groups gnomAD compares: Admixed American, 0.05%; no homozygotes.

Submissions (3):

Labcorp Genetics (formerly Invitae), Labcorp
Classification: Uncertain significance. Last evaluated: 2025-11-17. Review status: criteria provided, single submitter. Criteria: Invitae Variant Classification Sherloc (09022015). Collection method: clinical testing. Allele origin: germline.
Comment: This sequence change replaces glycine, which is neutral and non-polar, with serine, which is neutral and polar, at codon 495 of the ZNF513 protein (p.Gly495Ser). This variant is present in population databases (rs200685946, gnomAD 0.03%). This variant has not been reported in the literature in individuals affected with ZNF513-related conditions. ClinVar contains an entry for this variant (Variation ID: 935975). An algorithm developed to predict the effect of missense changes on protein structure and function (PolyPhen-2) suggests that this variant is likely to be disruptive. In summary, the available evidence is currently insufficient to determine the role of this variant in disease. Therefore, it has been classified as a Variant of Uncertain Significance.

Blueprint Genetics
Classification: Uncertain significance. Last evaluated: 2024-08-22. Review status: criteria provided, single submitter. Criteria: ACMG Guidelines, 2015. Collection method: clinical testing. Allele origin: germline.

Ambry Genetics
Classification: Uncertain significance. Last evaluated: 2023-08-19. Review status: criteria provided, single submitter. Criteria: Ambry Variant Classification Scheme 2023. Collection method: clinical testing. Allele origin: germline.